The following is an entry in ClinVar:

ClinVar aggregate classification (germline): Uncertain significance (1 of 4 stars; one submission).

Conditions:
Arrhythmogenic cardiomyopathy with wooly hair and keratoderma. Also called: Carvajal syndrome; PALMOPLANTAR KERATODERMA WITH LEFT VENTRICULAR CARDIOMYOPATHY AND WOOLLY HAIR; Dilated cardiomyopathy with woolly hair and keratoderma; Arrhythmogenic cardiomyopathy with woolly hair and keratoderma. Identifiers: Orphanet 65282, MedGen C1854063, MONDO:0011581, OMIM 605676.

Submission:

All of Us Research Program, National Institutes of Health
Classification: Uncertain significance for Arrhythmogenic cardiomyopathy with wooly hair and keratoderma. Last evaluated: 2023-03-09. Review status: criteria provided, single submitter. Criteria: ACMG Guidelines, 2015. Collection method: clinical testing. Allele origin: germline. Inheritance: Autosomal dominant inheritance. Observed: 1 variant allele, 1 heterozygote.
Comment: This missense variant replaces tyrosine with cysteine at codon 1188 of the DSP protein. Computational prediction suggests that this variant may not impact protein structure and function (internally defined REVEL score threshold <= 0.5, PMID: 27666373). To our knowledge, functional studies have not been reported for this variant. This variant has not been reported in individuals affected with DSP-related disorders in the literature. This variant has not been identified in the general population by the Genome Aggregation Database (gnomAD). The available evidence is insufficient to determine the role of this variant in disease conclusively. Therefore, this variant is classified as a Variant of Uncertain Significance.

This study involves interpretation of variants in research participants for the purpose of population health screening. Participant phenotype was not available at the time of variant classification. Additional details can be found in publication PMID: 35346344, PMCID: PMC8962531

NM_004415.4(DSP):c.3563A>G (p.Tyr1188Cys)

Gene: DSP (desmoplakin; plus strand). Cytogenetic location: 6p24.3.
Variant type: single nucleotide variant.
Coding change: c.3563A>G on transcript NM_004415.4 (MANE Select); coding-DNA position 3563, A replaced by G.
Protein change: p.Tyr1188Cys; replaces tyrosine 1188 with cysteine.
Molecular consequence: missense variant.
Genome position (GRCh38, 1-based): chr6:7,579,753, A>G. VCF-style: chr6-7579753-A-G. GRCh37 (hg19) VCF-style: chr6-7579986-A-G.
Other names: c.3563A>G, p.Tyr1188Cys (NM_001008844.3, NM_001319034.2); short protein forms Y1188C.
Identifiers: ClinVar variation 3069861 (VCV003069861.1), dbSNP rs2533924562, ClinGen allele CA362684345.
Genomic context (GRCh38, chr6:7,579,753, plus strand): 5'-AGTACGAGATTGAAAGGTTGAGGGTTCTACTGCAGGAAGAAGGCACCCGGAAGAGAGAAT[A>G]TGAAAATGAGCTGGCAAAGGTAAGAAACCACTATAATGAGGAGATGAGTAATTTAAGGAA-3'
Protein context (NP_004406.2, residues 1178-1198): LQEEGTRKRE[Tyr1188Cys]ENELAKVRNH